The following is an entry in ClinVar:

ClinVar aggregate classification (germline): Pathogenic. Review status: criteria provided, multiple submitters, no conflicts (2 of 4 stars). 4 submissions from 4 submitters: Pathogenic (3). 1 of the submissions does not count toward it. Last evaluated 2021-11-07.
ClinVar aggregate classification (oncogenicity): Likely oncogenic (1 of 4 stars; one submission).

Conditions:
Hereditary cancer-predisposing syndrome. Also called: Hereditary neoplastic syndrome; Hereditary Cancer Syndrome; Neoplastic Syndromes, Hereditary; Tumor predisposition. Identifiers: Orphanet 140162, MedGen C0027672, MeSH D009386, MONDO:0015356.
Tuberous sclerosis syndrome (TSC). Also called: Tuberous Sclerosis Complex; Tuberous sclerosis. Identifiers: Orphanet 805, MedGen C0041341, MONDO:0001734.
Tuberous sclerosis 1 (TSC1). Identifiers: Orphanet 805, MedGen C1854465, MONDO:0008612, OMIM 191100.
Neoplasm. Also called: tumor; Neoplasms; Neoplasm (disease). Identifiers: MedGen C0027651, MeSH D009369, MONDO:0005070, HP:0002664.

Submissions (5):

Center for Genomic Medicine, Rigshospitalet, Copenhagen University Hospital
Classification: Likely oncogenic for Neoplasm. Last evaluated: 2026-10-16. Review status: criteria provided, single submitter. Criteria: ClinGen/CGC/VICC Guidelines for Oncogenicity, 2022. Collection method: clinical testing. Allele origin: somatic. Affected: yes.

Genome-Nilou Lab
Classification: Pathogenic for Tuberous sclerosis 1. Last evaluated: 2021-11-07. Review status: criteria provided, single submitter. Criteria: ACMG Guidelines, 2015. Collection method: clinical testing. Allele origin: germline. Affected: no.

Labcorp Genetics (formerly Invitae), Labcorp
Classification: Pathogenic for Tuberous sclerosis 1. Last evaluated: 2021-03-08. Review status: criteria provided, single submitter. Criteria: Invitae Variant Classification Sherloc (09022015). Collection method: clinical testing. Allele origin: germline.
Comment: For these reasons, this variant has been classified as Pathogenic. Loss-of-function variants in TSC1 are known to be pathogenic (PMID: 10227394, 17304050). This variant has been observed in individuals with tuberous sclerosis complex (PMID: 9328481, Invitae). This variant is also known as 2728C>G in the literature. ClinVar contains an entry for this variant (Variation ID: 48969). This variant is not present in population databases (ExAC no frequency). This sequence change creates a premature translational stop signal (p.Ser836*) in the TSC1 gene. It is expected to result in an absent or disrupted protein product.

Ambry Genetics
Classification: Pathogenic for Hereditary cancer-predisposing syndrome. Last evaluated: 2019-03-07. Review status: criteria provided, single submitter. Criteria: Ambry Variant Classification Scheme 2023. Collection method: clinical testing. Allele origin: germline.
Comment: The p.S836* pathogenic mutation (also known as c.2507C>G), located in coding exon 18 of the TSC1 gene, results from a C to G substitution at nucleotide position 2507. This changes the amino acid from a serine to a stop codon within coding exon 18. This alteration, designated as &ldquo;2728C>G, S836X&rdquo;, has been reported in unrelated tuberous sclerosis complex (TSC) patients (Jones AC et al. Hum. Mol. Genet., 1997 Nov;6:2155-61; Dabora SL et al. Ann. Hum. Genet., 1998 Nov;62:491-504). This alteration is expected to result in loss of function by premature protein truncation or nonsense-mediated mRNA decay. As such, this alteration is interpreted as a disease-causing mutation.

Tuberous sclerosis database (TSC1)
No classification provided. Condition: TSC. Review status: no classification provided. Criteria: Tuberous Sclerosis Database Assertion Criteria 2015. Collection method: curation. Allele origin: germline. Affected: yes. Not counted in ClinVar's aggregate classification.

Literature cited by the submitters: PubMed 10227394 (cited by Labcorp Genetics (formerly Invitae), Labcorp); PubMed 17304050 (cited by Labcorp Genetics (formerly Invitae), Labcorp); PubMed 9328481 (cited by Labcorp Genetics (formerly Invitae), Labcorp and Ambry Genetics); PubMed 10363127 (cited by Ambry Genetics); PubMed 25525159 (cited by Ambry Genetics).

NM_000368.5(TSC1):c.2507C>G (p.Ser836Ter)

Gene: TSC1 (TSC complex subunit 1; minus strand). Cytogenetic location: 9q34.13.
Variant type: single nucleotide variant.
Coding change: c.2507C>G on transcript NM_000368.5 (MANE Select); coding-DNA position 2507, C replaced by G.
Protein change: p.Ser836Ter; replaces serine 836 with a stop codon.
Molecular consequence: nonsense.
Genome position (GRCh38, 1-based): chr9:132,900,833, G>C on the plus strand (C>G on the coding strand, the complement: TSC1 is on the minus strand). VCF-style: chr9-132900833-G-C. GRCh37 (hg19) VCF-style: chr9-135776220-G-C.
Other names: c.2504C>G, p.Ser835Ter (NM_001162426.2); c.2354C>G, p.Ser785Ter (NM_001162427.2); c.2144C>G, p.Ser715Ter (NM_001362177.2); short protein forms S836*, S715*, S785*, S835*.
Identifiers: ClinVar variation 48969 (VCV000048969.18), dbSNP rs118203706, ClinGen allele CA006565.